The following is an entry in ClinVar:

ClinVar aggregate classification (germline): Uncertain significance (1 of 4 stars; one submission).

Conditions:
Inborn genetic diseases. Identifiers: MedGen C0950123, MeSH D030342.

Submission:

Ambry Genetics
Classification: Uncertain significance for Inborn genetic diseases. Last evaluated: 2022-11-27. Review status: criteria provided, single submitter. Criteria: Ambry Variant Classification Scheme 2023. Collection method: clinical testing. Allele origin: germline.
Comment: The p.A2304T variant (also known as c.6910G>A), located in coding exon 41 of the ATR gene, results from a G to A substitution at nucleotide position 6910. The alanine at codon 2304 is replaced by threonine, an amino acid with similar properties. This amino acid position is conserved. In addition, this alteration is predicted to be tolerated by in silico analysis. Since supporting evidence is limited at this time, the clinical significance of this alteration remains unclear.

NM_001184.4(ATR):c.6910G>A (p.Ala2304Thr)

Gene: ATR (ATR checkpoint kinase; minus strand). Cytogenetic location: 3q23.
Variant type: single nucleotide variant.
Coding change: c.6910G>A on transcript NM_001184.4 (MANE Select); coding-DNA position 6910, G replaced by A.
Protein change: p.Ala2304Thr; replaces alanine 2304 with threonine.
Molecular consequence: missense variant.
Genome position (GRCh38, 1-based): chr3:142,465,228, C>T on the plus strand (G>A on the coding strand, the complement: ATR is on the minus strand). VCF-style: chr3-142465228-C-T. GRCh37 (hg19) VCF-style: chr3-142184070-C-T.
Other names: c.6718G>A, p.Ala2240Thr (NM_001354579.2); short protein forms A2240T, A2304T.
Identifiers: ClinVar variation 2453538 (VCV002453538.2), dbSNP rs868525097, ClinGen allele CA354800834.